The following is an entry in ClinVar:

NM_007294.4(BRCA1):c.4112G>C (p.Gly1371Ala)

Gene: BRCA1 (BRCA1 DNA repair associated; minus strand). Cytogenetic location: 17q21.31.
Variant type: single nucleotide variant.
Coding change: c.4112G>C on transcript NM_007294.4 (MANE Select); coding-DNA position 4112, G replaced by C.
Protein change: p.Gly1371Ala; replaces glycine 1371 with alanine.
Molecular consequence: missense variant. On other transcripts: non-coding transcript variant (1).
Genome position (GRCh38, 1-based): chr17:43,091,017, C>G on the plus strand (G>C on the coding strand, the complement: BRCA1 is on the minus strand). VCF-style: chr17-43091017-C-G. GRCh37 (hg19) VCF-style: chr17-41243034-C-G.
Other names: c.3899G>C, p.Gly1300Ala (NM_001407571.1, NM_001407853.1, NM_001407894.1 and 9 more transcripts); c.4112G>C, p.Gly1371Ala (NM_001407581.1, NM_001407582.1, NM_001407583.1 and 30 more transcripts); c.4109G>C, p.Gly1370Ala (NM_001407587.1, NM_001407590.1, NM_001407591.1 and 22 more transcripts); c.4103G>C, p.Gly1368Ala (NM_001407646.1, NM_001407647.1); c.4031G>C, p.Gly1344Ala (NM_001407659.1, NM_001407660.1, NM_001407661.1 and 1 more transcripts); c.4034G>C, p.Gly1345Ala (NM_001407663.1, NM_001407653.1, NM_001407654.1 and 4 more transcripts); c.3989G>C, p.Gly1330Ala (NM_001407664.1, NM_001407665.1, NM_001407666.1 and 19 more transcripts); c.3986G>C, p.Gly1329Ala (NM_001407685.1, NM_001407686.1, NM_001407940.1 and 11 more transcripts); and 41 more; short protein forms G1324A, G1371A, G268A, G1075A, G1259A, G1300A, G1301A, G1323A.
Identifiers: ClinVar variation 993166 (VCV000993166.6), dbSNP rs1441376381, ClinGen allele CA10593502.

ClinVar aggregate classification (germline): Uncertain significance. Review status: criteria provided, multiple submitters, no conflicts (2 of 4 stars). 3 submissions from 3 submitters: Uncertain significance (3). Last evaluated 2024-02-23.

Conditions:
Breast-ovarian cancer, familial, susceptibility to, 1 (BROVCA1). Also called: BRCA1 Hereditary Breast and Ovarian Cancer; OVARIAN CANCER, SUSCEPTIBILITY TO. Identifiers: Orphanet 145, MedGen C2676676, MONDO:0011450, OMIM 604370. Disease mechanism: loss of function.
Hereditary breast ovarian cancer syndrome. Also called: Hereditary breast and ovarian cancer syndrome; Hereditary breast and ovarian cancer syndrome (HBOC); Breast and ovarian cancer; Hereditary breast and ovarian cancer; Hereditary breast and/or ovarian cancer syndrome; BRCA1- and BRCA2-Associated Hereditary Breast and Ovarian Cancer. Identifiers: Orphanet 145, MedGen C0677776, MeSH D061325, MONDO:0003582. Disease mechanism: loss of function.

Submissions (3):

Labcorp Genetics (formerly Invitae), Labcorp
Classification: Uncertain significance for Hereditary breast ovarian cancer syndrome. Last evaluated: 2024-02-23. Review status: criteria provided, single submitter. Criteria: Invitae Variant Classification Sherloc (09022015). Collection method: clinical testing. Allele origin: germline.
Comment: This sequence change replaces glycine, which is neutral and non-polar, with alanine, which is neutral and non-polar, at codon 1371 of the BRCA1 protein (p.Gly1371Ala). This variant is not present in population databases (gnomAD no frequency). This variant has not been reported in the literature in individuals affected with BRCA1-related conditions. ClinVar contains an entry for this variant (Variation ID: 993166). Advanced modeling of protein sequence and biophysical properties (such as structural, functional, and spatial information, amino acid conservation, physicochemical variation, residue mobility, and thermodynamic stability) performed at Invitae indicates that this missense variant is not expected to disrupt BRCA1 protein function with a negative predictive value of 95%. In summary, the available evidence is currently insufficient to determine the role of this variant in disease. Therefore, it has been classified as a Variant of Uncertain Significance.

Baylor Genetics
Classification: Uncertain significance for Breast-ovarian cancer, familial, susceptibility to, 1. Last evaluated: 2023-11-29. Review status: criteria provided, single submitter. Criteria: ACMG Guidelines, 2015. Collection method: clinical testing. Allele origin: unknown.

Quest Diagnostics Nichols Institute San Juan Capistrano
Classification: Uncertain significance. Last evaluated: 2020-02-14. Review status: criteria provided, single submitter. Criteria: Quest Diagnostics criteria. Collection method: clinical testing. Allele origin: unknown.